The following is an entry in ClinVar:

NM_000262.3(NAGA):c.*1035G>A

Gene: NAGA (alpha-N-acetylgalactosaminidase; minus strand). Cytogenetic location: 22q13.2.
Variant type: single nucleotide variant.
Coding change: c.*1035G>A on transcript NM_000262.3 (MANE Select); 1035 bases downstream of the stop codon, G replaced by A.
Molecular consequence: 3 prime UTR variant.
Genome position (GRCh38, 1-based): chr22:42,059,244, C>T on the plus strand (G>A on the coding strand, the complement: NAGA is on the minus strand). VCF-style: chr22-42059244-C-T. GRCh37 (hg19) VCF-style: chr22-42455248-C-T.
Other names: c.*1035G>A (NM_001362848.1, NM_001362850.1).
Identifiers: ClinVar variation 341895 (VCV000341895.6), dbSNP rs62238588, ClinGen allele CA10654170.
Genomic context (GRCh38, chr22:42,059,244, plus strand): 5'-AGCCACCAGGGAAGACAAGTGCCCTGTAGCCTTGGCTAAAAGAGGAGGGCTTGGGAAATA[C>T]GGACCAAAGCAAGACAGGCAAGAACCCATCATTCCTTCACTTTGACTGTTACCCCTGTCC-3'

ClinVar aggregate classification (germline): Benign. Review status: criteria provided, multiple submitters, no conflicts (2 of 4 stars). 3 submissions from 2 submitters: Benign (3). Last evaluated 2018-01-13.

Conditions:
Alpha-N-acetylgalactosaminidase deficiency type 2. Also called: ALPHA-N-ACETYLGALACTOSAMINIDASE DEFICIENCY, TYPE II; NAGA DEFICIENCY, TYPE II; SCHINDLER DISEASE, TYPE II. Identifiers: Orphanet 3137, Orphanet 79280, MedGen C1836522, MONDO:0012222, OMIM 609242.
Alpha-N-acetylgalactosaminidase deficiency type 1. Also called: SCHINDLER DISEASE, TYPE I; ALPHA-N-ACETYLGALACTOSAMINIDASE DEFICIENCY, TYPE I; NAGA DEFICIENCY, TYPE I; NEUROAXONAL DYSTROPHY, SCHINDLER TYPE. Identifiers: Orphanet 3137, Orphanet 79279, Orphanet 79281, MedGen C1836544, MONDO:0012221, OMIM 609241.

Allele frequency attached by ClinVar (database versions not stated): 1000 Genomes Project 0.03055; 1000 Genomes Project 30x 0.03092; TOPMed 0.05696; gnomAD 0.05786 and 0.05880; gnomAD exomes 0.09091.
gnomAD v4.1: 8,794 of 152,256 alleles (5.8%); highest among the groups gnomAD compares: Non-Finnish European, 9%; 356 homozygotes.

Submissions (3):

Illumina Laboratory Services, Illumina
Classification: Benign for Alpha-N-acetylgalactosaminidase deficiency type 1. Last evaluated: 2018-01-13. Review status: criteria provided, single submitter. Criteria: ICSL Variant Classification Criteria 13 December 2019. Collection method: clinical testing. Allele origin: germline.
Comment: This variant was observed in the ICSL laboratory as part of a predisposition screen in an ostensibly healthy population. It had not been previously curated by ICSL or reported in the Human Gene Mutation Database (HGMD: prior to June 1st, 2018), and was therefore a candidate for classification through an automated scoring system. Utilizing variant allele frequency, disease prevalence and penetrance estimates, and inheritance mode, an automated score was calculated to assess if this variant is too frequent to cause the disease. Based on the score and internal cut-off values, a variant classified as benign is not then subjected to further curation. The score for this variant resulted in a classification of benign for this disease.

Illumina Laboratory Services, Illumina
Classification: Benign for Alpha-N-acetylgalactosaminidase deficiency type 2. Last evaluated: 2018-01-13. Review status: criteria provided, single submitter. Criteria: ICSL Variant Classification Criteria 13 December 2019. Collection method: clinical testing. Allele origin: germline.
Comment: the same text as in the submission from Illumina Laboratory Services, Illumina above.

Breakthrough Genomics
Classification: Benign. Review status: criteria provided, single submitter. Criteria: ACMG Guidelines, 2015. Collection method: not provided. Allele origin: germline. Inheritance: Autosomal recessive inheritance. Affected: yes.